The following is an entry in ClinVar:

ClinVar aggregate classification (germline): Likely benign. Review status: criteria provided, multiple submitters, no conflicts (2 of 4 stars). 2 submissions from 2 submitters: Likely benign (2). Last evaluated 2026-05-10.

Conditions:
FHOD3-related disorder. Also called: FHOD3-related condition.

Allele frequency attached by ClinVar (database versions not stated): TOPMed 0.00011; ESP Exome Variant Server 0.00015; gnomAD 0.00015; gnomAD exomes 0.00032; ExAC 0.00059; 1000 Genomes Project 30x 0.00078; 1000 Genomes Project 0.00080.
gnomAD v4.1: 496 of 1,613,850 alleles (0.031%); highest among the groups gnomAD compares: South Asian, 0.35%; 8 homozygotes.

Submissions (2):

PreventionGenetics, part of Exact Sciences
Classification: Likely benign for FHOD3-related condition. Last evaluated: 2026-05-10. Review status: criteria provided, single submitter. Criteria: ACMG Guidelines, 2015. Collection method: clinical testing. Allele origin: germline.
Comment: This variant is classified as likely benign based on ACMG/AMP sequence variant interpretation guidelines (Richards et al. 2015 PMID: 25741868, with internal and published modifications).

CeGaT Center for Human Genetics Tuebingen
Classification: Likely benign. Last evaluated: 2023-05-01. Review status: criteria provided, single submitter. Criteria: CeGaT Center For Human Genetics Tuebingen Variant Classification Criteria Version 2. Collection method: clinical testing. Allele origin: germline. Affected: yes. Observed: 1 variant allele.
Comment: FHOD3: BP4, BP7, BS2

NM_001281740.3(FHOD3):c.663G>A (p.Ser221=)

Gene: FHOD3 (formin homology 2 domain containing 3; plus strand). Cytogenetic location: 18q12.2.
Variant type: single nucleotide variant.
Coding change: c.663G>A on transcript NM_001281740.3 (MANE Select); coding-DNA position 663, G replaced by A.
Protein change: p.Ser221=; no amino-acid change (serine 221 retained).
Molecular consequence: synonymous variant.
Genome position (GRCh38, 1-based): chr18:36,594,843, G>A. VCF-style: chr18-36594843-G-A. GRCh37 (hg19) VCF-style: chr18-34174806-G-A.
Other names: c.663G>A, p.Ser221= (NM_001281739.3, NM_025135.5); c.663G>A (NM_001281740.2).
Identifiers: ClinVar variation 2571010 (VCV002571010.28), dbSNP rs368828885, ClinGen allele CA8941375.